The following is an entry in ClinVar:

NM_012144.4(DNAI1):c.1530del (p.Asp509_Tyr510insTer)

Gene: DNAI1 (dynein axonemal intermediate chain 1; plus strand). Cytogenetic location: 9p13.3.
Variant type: Deletion.
Coding change: c.1530del on transcript NM_012144.4 (MANE Select); coding-DNA position 1530, one base deleted (C; older notation c.1530delC).
Protein change: p.Asp509_Tyr510insTer.
Molecular consequence: nonsense.
Genome position (GRCh38, 1-based): chr9:34,513,152, C deleted. VCF-style (leftmost placement, unchanged base first): chr9-34513151-AC-A. GRCh37 (hg19) VCF-style: chr9-34513149-AC-A.
Other names: c.1542del, p.Asp513_Tyr514insTer (NM_001281428.2); c.1530del (NM_012144.3); c.1530delC (NM_012144.3).
Identifiers: ClinVar variation 570874 (VCV000570874.12), dbSNP rs751920647, ClinGen allele CA5034438.

ClinVar aggregate classification (germline): Pathogenic/Likely pathogenic. Review status: criteria provided, multiple submitters, no conflicts (2 of 4 stars). 5 submissions from 5 submitters: Pathogenic (3); Likely pathogenic (2). Last evaluated 2025-12-26.

Conditions:
Kartagener syndrome (CILD1). Also called: IMMOTILE CILIA SYNDROME; POLYNESIAN BRONCHIECTASIS; Dextrocardia bronchiectasis and sinusitis; CILIARY DYSKINESIA, PRIMARY, 1; CILIARY DYSKINESIA, PRIMARY, 1, WITH OR WITHOUT SITUS INVERSUS; SIEWERT SYNDROME. Identifiers: Orphanet 244, MedGen C4551906, MONDO:0009484, OMIM 244400.
Primary ciliary dyskinesia. Also called: Ciliary dyskinesia. Identifiers: Orphanet 244, MedGen C0008780, MONDO:0016575, HP:0012265.

Allele frequency attached by ClinVar (database versions not stated): gnomAD exomes below 0.00001 and 0.00002; ExAC 0.00001; gnomAD 0.00001; TOPMed 0.00002.

Submissions (5):

Labcorp Genetics (formerly Invitae), Labcorp
Classification: Pathogenic for Primary ciliary dyskinesia. Last evaluated: 2025-12-26. Review status: criteria provided, single submitter. Criteria: Invitae Variant Classification Sherloc (09022015). Collection method: clinical testing. Allele origin: germline.
Comment: This sequence change creates a premature translational stop signal (p.Tyr510*) in the DNAI1 gene. It is expected to result in an absent or disrupted protein product. Loss-of-function variants in DNAI1 are known to be pathogenic (PMID: 16858015, 29363216). This variant is present in population databases (rs751920647, gnomAD 0.002%). This premature translational stop signal has been observed in individual(s) with DNA1-related conditions (internal data). ClinVar contains an entry for this variant (Variation ID: 570874). Algorithms developed to predict the effect of sequence changes on RNA splicing suggest that this variant may disrupt the consensus splice site. For these reasons, this variant has been classified as Pathogenic.

GeneDx
Classification: Pathogenic. Last evaluated: 2025-10-07. Review status: criteria provided, single submitter. Criteria: GeneDx Variant Classification Process June 2021. Collection method: clinical testing. Allele origin: germline.
Comment: Nonsense variant predicted to result in protein truncation or nonsense mediated decay in a gene for which loss of function is a known mechanism of disease; Not observed at significant frequency in large population cohorts (gnomAD); Has not been previously published as pathogenic or benign to our knowledge

Natera, Inc.
Classification: Likely pathogenic for Primary ciliary dyskinesia. Last evaluated: 2024-07-05. Review status: criteria provided, single submitter. Criteria: Natera Variant Classification Schema (03/2026). Collection method: clinical testing. Allele origin: germline.
Comment: The c.1530delC variant in DNAI1 is a frameshift variant predicted to shift the reading frame and introduce a stop codon. This variant is expected to result in nonsense mediated decay, truncation, or a dysfunctional protein product. This variant is rare in the general population with a frequency below the threshold expected for the associated phenotype(s). Given the available evidence, this variant is classified as Likely Pathogenic.

Fulgent Genetics
Classification: Likely pathogenic for Kartagener syndrome. Last evaluated: 2024-01-05. Review status: criteria provided, single submitter. Criteria: ACMG Guidelines, 2015. Collection method: clinical testing. Allele origin: germline.

Cambridge Genomics Laboratory, East Genomic Laboratory Hub, NHS Genomic Medicine Service
Classification: Pathogenic for Primary ciliary dyskinesia. Last evaluated: 2020-01-21. Review status: criteria provided, single submitter. Criteria: ACGS Best Practice Guidelines for Variant Classification in Rare Disease 2020. Collection method: clinical testing. Allele origin: germline. Affected: yes. Observed: 1 variant allele.

Literature cited by the submitters: PubMed 16858015 (cited by Labcorp Genetics (formerly Invitae), Labcorp); PubMed 29363216 (cited by Labcorp Genetics (formerly Invitae), Labcorp).